The following is an entry in ClinVar:

NM_000274.4(OAT):c.886G>A (p.Gly296Arg)

Gene: OAT (ornithine aminotransferase; minus strand). Cytogenetic location: 10q26.13.
Variant type: single nucleotide variant.
Coding change: c.886G>A on transcript NM_000274.4 (MANE Select); coding-DNA position 886, G replaced by A.
Protein change: p.Gly296Arg; replaces glycine 296 with arginine.
Molecular consequence: missense variant.
Genome position (GRCh38, 1-based): chr10:124,402,941, C>T on the plus strand (G>A on the coding strand, the complement: OAT is on the minus strand). VCF-style: chr10-124402941-C-T. GRCh37 (hg19) VCF-style: chr10-126091510-C-T.
Other names: c.472G>A, p.Gly158Arg (NM_001171814.2); c.886G>A, p.Gly296Arg (NM_001322965.2, NM_001322966.2, NM_001322967.2 and 3 more transcripts); c.565G>A, p.Gly189Arg (NM_001322971.2); c.286G>A, p.Gly96Arg (NM_001322974.2); short protein forms G96R, G158R, G296R, G189R.
Identifiers: ClinVar variation 643416 (VCV000643416.10), dbSNP rs1589700741, ClinGen allele CA378635122.

ClinVar aggregate classification (germline): Uncertain significance (1 of 4 stars; one submission).

Conditions:
Ornithine aminotransferase deficiency (GACR). Also called: HYPERORNITHINEMIA WITH GYRATE ATROPHY OF CHOROID AND RETINA; OAT DEFICIENCY; OKT DEFICIENCY; Ornithine ketoacid aminotransferase deficiency; Gyrate atrophy; Gyrate atrophy of choroid and retina. Identifiers: Orphanet 414, MedGen C0018425, MONDO:0009796, OMIM 258870.

Submission:

Labcorp Genetics (formerly Invitae), Labcorp
Classification: Uncertain significance for Ornithine aminotransferase deficiency. Last evaluated: 2020-02-21. Review status: criteria provided, single submitter. Criteria: Invitae Variant Classification Sherloc (09022015). Collection method: clinical testing. Allele origin: germline.
Comment: In summary, the available evidence is currently insufficient to determine the role of this variant in disease. Therefore, it has been classified as a Variant of Uncertain Significance. Algorithms developed to predict the effect of missense changes on protein structure and function are either unavailable or do not agree on the potential impact of this missense change (SIFT: "Deleterious"; PolyPhen-2: "Probably Damaging"; Align-GVGD: "Class C15"). This variant has not been reported in the literature in individuals with OAT-related conditions. ClinVar contains an entry for this variant (Variation ID: 643416). This variant is not present in population databases (ExAC no frequency). This sequence change replaces glycine with arginine at codon 296 of the OAT protein (p.Gly296Arg). The glycine residue is highly conserved and there is a moderate physicochemical difference between glycine and arginine.